The following is an entry in ClinVar:

NM_001384125.1(BLTP1):c.1997C>A (p.Pro666Gln)

Gene: BLTP1 (bridge-like lipid transfer protein family member 1; plus strand). Cytogenetic location: 4q27.
Variant type: single nucleotide variant.
Coding change: c.1997C>A on transcript NM_001384125.1 (MANE Select); coding-DNA position 1997, C replaced by A.
Protein change: p.Pro666Gln; replaces proline 666 with glutamine.
Molecular consequence: missense variant.
Genome position (GRCh38, 1-based): chr4:122,209,883, C>A. VCF-style: chr4-122209883-C-A. GRCh37 (hg19) VCF-style: chr4-123131038-C-A.
Other names: c.1997C>A, p.Pro666Gln (NM_015312.4); short protein forms P666Q.
Identifiers: ClinVar variation 3341762 (VCV003341762.16).

ClinVar aggregate classification (germline): Uncertain significance (1 of 4 stars; one submission).

gnomAD v4.1: 2 of 1,613,408 alleles (0.00012%); highest among the groups gnomAD compares: Middle Eastern, 0.017%; no homozygotes.

Submission:

CeGaT Center for Human Genetics Tuebingen
Classification: Uncertain significance. Last evaluated: 2024-08-01. Review status: criteria provided, single submitter. Criteria: CeGaT Center For Human Genetics Tuebingen Variant Classification Criteria Version 2. Collection method: clinical testing. Allele origin: germline. Affected: yes. Observed: 1 variant allele.
Comment: BLTP1: PM2